The following is an entry in ClinVar:

NM_015272.5(RPGRIP1L):c.1709dup (p.Asp571fs)

Gene: RPGRIP1L (RPGRIP1 like; minus strand). Cytogenetic location: 16q12.2.
Variant type: Duplication.
Coding change: c.1709dup on transcript NM_015272.5 (MANE Select); coding-DNA position 1709, one base duplicated (A; older notation c.1709dupA).
Protein change: p.Asp571fs; shifts the reading frame from aspartic acid 571.
Molecular consequence: frameshift variant.
Genome position (GRCh38, 1-based): chr16:53,652,978, T duplicated on the plus strand (A on the coding strand, the reverse complement: RPGRIP1L is on the minus strand); the first of 3 consecutive T bases (chr16:53,652,978-53,652,980); duplicating any one gives the same sequence. VCF-style (leftmost placement, unchanged base first): chr16-53652977-C-CT. GRCh37 (hg19) VCF-style: chr16-53686889-C-CT.
Other names: c.1709dupA (NM_015272.5, NM_015272.4); c.1709dup (NM_015272.2); c.1709dup, p.Asp571fs (NM_001127897.4, NM_001308334.3, NM_001330538.2); short protein forms D571fs.
Identifiers: ClinVar variation 188192 (VCV000188192.27), dbSNP rs778149316, ClinGen allele CA277762.

ClinVar aggregate classification (germline): Pathogenic. Review status: criteria provided, multiple submitters, no conflicts (2 of 4 stars). 9 submissions from 9 submitters: Pathogenic (8). 1 of the submissions does not count toward it. Last evaluated 2026-08-06.

Conditions:
Joubert syndrome 7 (JBTS7). Identifiers: Orphanet 220497, MedGen C1969053, MONDO:0012694, OMIM 611560.
Meckel syndrome, type 5 (MKS5). Identifiers: Orphanet 564, MedGen C1969052, MONDO:0012695, OMIM 611561.
COACH syndrome 3. Identifiers: MedGen C5436841, MONDO:0030862, OMIM 619113.
Meckel-Gruber syndrome. Also called: DYSENCEPHALIA SPLANCHNOCYSTICA; GRUBER SYNDROME; Dysencephalia splachnocystica. Identifiers: Orphanet 564, MedGen C0265215, MONDO:0018921.
Joubert syndrome. Also called: JOUBERT-BOLTSHAUSER SYNDROME; Familial aplasia of the vermis. Identifiers: Orphanet 475, MedGen C5979921, MONDO:0018772.
RPGRIP1L-related disorder. Also called: RPGRIP1L-related condition; RPGRIP1L-related disorders. Identifiers: MedGen CN239416.

Submissions (9):

OLLIN Analises Genomicas, OLLIN
Classification: Pathogenic for COACH syndrome 3. Last evaluated: 2026-08-06. Review status: criteria provided, single submitter. Criteria: ACMG Guidelines 2015 PMID 25741868. Collection method: clinical testing. Allele origin: germline.
Comment: This frameshift variant, located in exon 15 (of 27), has been reported in ClinVar (accession VCV000188192.26) and in gnomAD with an allele frequency of 0.00304%. However, to our knowledge, it has not been reported in the scientific literature. This variant causes a frameshift and introduces a premature stop codon, which is predicted to result in either a truncated protein or degradation of the mRNA via nonsense-mediated decay (NMD). According to the currently available evidence, this variant has been classified as pathogenic (PVS1, PM2_P, PM3).

GeneDx
Classification: Pathogenic. Last evaluated: 2026-02-08. Review status: criteria provided, single submitter. Criteria: GeneDx Variant Classification Process June 2021. Collection method: clinical testing. Allele origin: germline. Affected: yes.
Comment: Observed with a second RPGRIP1L variant in a patient with Joubert syndrome in published literature (PMID: 26092869); Frameshift variant predicted to result in protein truncation or nonsense mediated decay in a gene for which loss of function is a known mechanism of disease; This variant is associated with the following publications: (PMID: 31964843, 26092869)

Labcorp Genetics (formerly Invitae), Labcorp
Classification: Pathogenic for Joubert syndrome; Meckel-Gruber syndrome. Last evaluated: 2026-02-02. Review status: criteria provided, single submitter. Criteria: Invitae Variant Classification Sherloc (09022015). Collection method: clinical testing. Allele origin: germline.
Comment: This sequence change creates a premature translational stop signal (p.Asp571Glyfs*12) in the RPGRIP1L gene. It is expected to result in an absent or disrupted protein product. Loss-of-function variants in RPGRIP1L are known to be pathogenic (PMID: 17558409). This variant is present in population databases (rs778149316, gnomAD 0.04%). This premature translational stop signal has been observed in individual(s) with Joubert syndrome (PMID: 26092869). ClinVar contains an entry for this variant (Variation ID: 188192). For these reasons, this variant has been classified as Pathogenic.

Natera, Inc.
Classification: Pathogenic for Joubert syndrome. Last evaluated: 2026-01-12. Review status: criteria provided, single submitter. Criteria: Natera Variant Classification Schema (03/2026). Collection method: clinical testing. Allele origin: germline.
Comment: The c.1709dupA variant in RPGRIP1L is a frameshift variant predicted to shift the reading frame beginning at codon 571 and leads to a stop codon 12 codons downstream. This variant is expected to result in nonsense mediated decay, truncation, or a dysfunctional protein product. This variant is rare in the general population with a frequency below the threshold expected for the associated phenotype(s). This variant has been observed in one or more individuals affected with the associated recessive disease, as either homozygous or compound heterozygous with a second variant (PMID: 26092869). Given the available evidence, this variant is classified as Pathogenic.

Fulgent Genetics
Classification: Pathogenic for Joubert syndrome 7; Meckel syndrome, type 5; COACH syndrome 3. Last evaluated: 2024-02-28. Review status: criteria provided, single submitter. Criteria: ACMG Guidelines, 2015. Collection method: clinical testing. Allele origin: germline.

Greenwood Genetic Center Diagnostic Laboratories, Greenwood Genetic Center
Classification: Pathogenic. Last evaluated: 2020-08-03. Review status: criteria provided, single submitter. Criteria: ACMG Guidelines, 2015. Collection method: clinical testing. Allele origin: germline. Affected: yes.

Revvity Omics, Revvity
Classification: Pathogenic. Last evaluated: 2019-10-11. Review status: criteria provided, single submitter. Criteria: ACMG Guidelines, 2015. Collection method: clinical testing. Allele origin: germline.

UW Hindbrain Malformation Research Program, University of Washington
Classification: Pathogenic for Joubert syndrome 7. Last evaluated: 2015-02-23. Review status: criteria provided, single submitter. Criteria: Bachmann-Gagescu et al. (J Med Genet. 2015). Collection method: research. Allele origin: unknown. Affected: yes.

PreventionGenetics, part of Exact Sciences
Classification: Pathogenic for RPGRIP1L-related condition. Last evaluated: 2024-05-15. Review status: no assertion criteria provided. Collection method: clinical testing. Allele origin: germline. Not counted in ClinVar's aggregate classification.
Comment: The RPGRIP1L c.1709dupA variant is predicted to result in a frameshift and premature protein termination (p.Asp571Glyfs*12). This variant has been reported in the compound heterozygous state in a patient with Joubert syndrome (Table S5, Bachmann-Gagescu et al. 2015. PubMed ID: 26092869). Furthermore, loss of function variants in the RPGRIP1L gene are a known mechanism of disease (Delous et al. 2007. PubMed ID: 17558409). In summary, we classify this variant as pathogenic.

Literature cited by the submitters: PubMed 17558409 (cited by Labcorp Genetics (formerly Invitae), Labcorp); PubMed 26092869 (cited by Labcorp Genetics (formerly Invitae), Labcorp and Natera, Inc.).